The following is an entry in ClinVar:

NM_001378120.1(MBD5):c.923C>T (p.Pro308Leu)

Gene: MBD5 (methyl-CpG binding domain protein 5; plus strand). Cytogenetic location: 2q23.1.
Variant type: single nucleotide variant.
Coding change: c.923C>T on transcript NM_001378120.1 (MANE Select); coding-DNA position 923, C replaced by T.
Protein change: p.Pro308Leu; replaces proline 308 with leucine.
Molecular consequence: missense variant.
Genome position (GRCh38, 1-based): chr2:148,468,866, C>T. VCF-style: chr2-148468866-C-T. GRCh37 (hg19) VCF-style: chr2-149226435-C-T.
Other names: c.923C>T, p.Pro308Leu (NM_018328.5); short protein forms P308L.
Identifiers: ClinVar variation 2651405 (VCV002651405.24), dbSNP rs2469859080, ClinGen allele CA348718001.

ClinVar aggregate classification (germline): Uncertain significance (1 of 4 stars; one submission).

Submission:

CeGaT Center for Human Genetics Tuebingen
Classification: Uncertain significance. Last evaluated: 2022-06-01. Review status: criteria provided, single submitter. Criteria: CeGaT Center For Human Genetics Tuebingen Variant Classification Criteria Version 2. Collection method: clinical testing. Allele origin: germline. Affected: yes. Observed: 1 variant allele.
Comment: MBD5: PM2